The following is an entry in ClinVar:

ClinVar aggregate classification (germline): Uncertain significance (1 of 4 stars; one submission).

Submission:

Women's Health and Genetics/Laboratory Corporation of America, LabCorp
Classification: Uncertain significance. Last evaluated: 2024-01-04. Review status: criteria provided, single submitter. Criteria: LabCorp Variant Classification Summary - May 2015. Collection method: clinical testing. Allele origin: germline.
Comment: Variant summary: MIPEP c.890G>T (p.Gly297Val) results in a non-conservative amino acid change located in the catalytic domain (IPR001567) of the encoded protein sequence. Four of five in-silico tools predict a damaging effect of the variant on protein function. The variant was absent in 250304 control chromosomes (gnomAD). The available data on variant occurrences in the general population are insufficient to allow any conclusion about variant significance. To our knowledge, no occurrence of c.890G>T in individuals affected with Lethal Left Ventricular Non-Compaction Delay Syndrome and no experimental evidence demonstrating its impact on protein function have been reported. However, a different missense variant affecting the same codon (p.Gly297Ala) has been reported in a homozygous patient with specific phenotype, and functional studies showed decreased MIP protein, and accumulation of an unprocessed mitochondrial substrate protein (MRPL12) in patient derived fibroblasts (unpublished), indicating a defect in of MIP-mediated processing (ClinVar ID: 1806091). These findings suggest that the Gly residue might be important for protein function. No submitters have cited clinical-significance assessments for this variant to ClinVar. Based on the evidence outlined above, the variant was classified as uncertain significance.

NM_005932.4(MIPEP):c.890G>T (p.Gly297Val)

Gene: MIPEP (mitochondrial intermediate peptidase; minus strand). Cytogenetic location: 13q12.12.
Variant type: single nucleotide variant.
Coding change: c.890G>T on transcript NM_005932.4 (MANE Select); coding-DNA position 890, G replaced by T.
Protein change: p.Gly297Val; replaces glycine 297 with valine.
Molecular consequence: missense variant.
Genome position (GRCh38, 1-based): chr13:23,869,345, C>A on the plus strand (G>T on the coding strand, the complement: MIPEP is on the minus strand). VCF-style: chr13-23869345-C-A. GRCh37 (hg19) VCF-style: chr13-24443484-C-A.
Other names: short protein forms G297V.
Identifiers: ClinVar variation 3063766 (VCV003063766.1), dbSNP rs780379456, ClinGen allele CA387527439.